The following continues an entry in ClinVar:

NM_000059.4(BRCA2):c.3G>A (p.Met1Ile)

Gene: BRCA2. ClinVar aggregate classification (germline): Pathogenic. Pathogenic (1).

Submissions 13 to 17 of 17:

CZECANCA consortium
Classification: Pathogenic for Breast and/or ovarian cancer. Last evaluated: 2019-06-11. Review status: no assertion criteria provided. Collection method: clinical testing. Allele origin: germline. Affected: yes. Observed: 3 variant alleles. Not counted in ClinVar's aggregate classification.

Counsyl
Classification: Pathogenic for Breast-ovarian cancer, familial, susceptibility to, 2. Last evaluated: 2018-03-14. Review status: no assertion criteria provided. Collection method: clinical testing. Allele origin: unknown. Not counted in ClinVar's aggregate classification.

Research Molecular Genetics Laboratory, Women's College Hospital, University of Toronto
Classification: Pathogenic for Hereditary breast ovarian cancer syndrome. Last evaluated: 2014-01-31. Review status: no assertion criteria provided. Collection method: research. Allele origin: germline. Affected: yes. Study: The Canadian Open Genetics Repository (COGR). Not counted in ClinVar's aggregate classification.

Sharing Clinical Reports Project (SCRP)
Classification: Pathogenic for Breast-ovarian cancer, familial 2. Last evaluated: 2009-07-17. Review status: no assertion criteria provided. Collection method: clinical testing. Allele origin: germline. Not counted in ClinVar's aggregate classification.

Breast Cancer Information Core (BIC) (BRCA2)
No classification provided. Condition: Breast-ovarian cancer, familial 2. Review status: no classification provided. Collection method: clinical testing. Allele origin: germline. Affected: yes. Observed: 5 variant alleles. Not counted in ClinVar's aggregate classification.

Literature cited by the submitters: PubMed 31131967 (cited by Evidence-based Network for the Interpretation of Germline Mutant Alleles (ENIGMA)); PubMed 18182601 (cited by 3 submitters); PubMed 20104584 (cited by 3 submitters); PubMed 21769658 (cited by 5 submitters); PubMed 29478780 (cited by Labcorp Genetics (formerly Invitae), Labcorp); PubMed 16793542 (cited by Labcorp Genetics (formerly Invitae), Labcorp); PubMed 22678057 (cited by Labcorp Genetics (formerly Invitae), Labcorp); PubMed 19369211 (cited by Labcorp Genetics (formerly Invitae), Labcorp); PubMed 14647210 (cited by Labcorp Genetics (formerly Invitae), Labcorp); PubMed 24156927 (cited by Labcorp Genetics (formerly Invitae), Labcorp); PubMed 25330149 (cited by Labcorp Genetics (formerly Invitae), Labcorp); PubMed 21203900 (cited by Laboratory for Molecular Medicine, Mass General Brigham Personalized Medicine); PubMed 29339979 (cited by Laboratory for Molecular Medicine, Mass General Brigham Personalized Medicine); PubMed 28324225 (cited by Laboratory for Molecular Medicine, Mass General Brigham Personalized Medicine); PubMed 29446198 (cited by Laboratory for Molecular Medicine, Mass General Brigham Personalized Medicine); PubMed 29988080 (cited by Laboratory for Molecular Medicine, Mass General Brigham Personalized Medicine); PubMed 24302565 (cited by Quest Diagnostics Nichols Institute San Juan Capistrano and Counsyl); PubMed 26913838 (cited by Quest Diagnostics Nichols Institute San Juan Capistrano); PubMed 26295337 (cited by Quest Diagnostics Nichols Institute San Juan Capistrano); PubMed 37149759 (cited by Hauer Lab, Department Of Pediatric Oncology, Technical University Munich); PubMed 32295079 (cited by CZECANCA consortium); PubMed 28807866 (cited by Counsyl).